The following is an entry in ClinVar:

ClinVar aggregate classification (germline): Likely benign. Review status: criteria provided, multiple submitters, no conflicts (2 of 4 stars). 2 submissions from 2 submitters: Likely benign (2). Last evaluated 2024-11-22.

Conditions:
ATP6V1B1-related disorder. Also called: ATP6V1B1-related condition.

Allele frequency attached by ClinVar (database versions not stated): gnomAD exomes 0.00002; ESP Exome Variant Server 0.00008; gnomAD 0.00001; TOPMed 0.00001; ExAC 0.00002.

Submissions (2):

PreventionGenetics, part of Exact Sciences
Classification: Likely benign for ATP6V1B1-related condition. Last evaluated: 2024-11-22. Review status: criteria provided, single submitter. Criteria: ACMG Guidelines, 2015. Collection method: clinical testing. Allele origin: germline.
Comment: This variant is classified as likely benign based on ACMG/AMP sequence variant interpretation guidelines (Richards et al. 2015 PMID: 25741868, with internal and published modifications).

Labcorp Genetics (formerly Invitae), Labcorp
Classification: Likely benign. Last evaluated: 2024-02-04. Review status: criteria provided, single submitter. Criteria: Invitae Variant Classification Sherloc (09022015). Collection method: clinical testing. Allele origin: germline.

NM_001692.4(ATP6V1B1):c.789C>T (p.Ile263=)

Gene: ATP6V1B1 (ATPase H+ transporting V1 subunit B1; plus strand). Cytogenetic location: 2p13.3.
Variant type: single nucleotide variant.
Coding change: c.789C>T on transcript NM_001692.4 (MANE Select); coding-DNA position 789, C replaced by T.
Protein change: p.Ile263=; no amino-acid change (isoleucine 263 retained).
Molecular consequence: synonymous variant.
Genome position (GRCh38, 1-based): chr2:70,962,780, C>T. VCF-style: chr2-70962780-C-T. GRCh37 (hg19) VCF-style: chr2-71189910-C-T.
Other names: c.789C>T (NM_001692.3).
Identifiers: ClinVar variation 1108947 (VCV001108947.10), dbSNP rs376793620, ClinGen allele CA1701165.